The following is an entry in ClinVar:

NM_001003699.4(RREB1):c.4489G>A (p.Glu1497Lys)

Gene: RREB1 (ras responsive element binding protein 1; plus strand). Cytogenetic location: 6p24.3.
Variant type: single nucleotide variant.
Coding change: c.4489G>A on transcript NM_001003699.4 (MANE Select); coding-DNA position 4489, G replaced by A.
Protein change: p.Glu1497Lys; replaces glutamic acid 1497 with lysine.
Molecular consequence: missense variant. On other transcripts: intron variant (1).
Genome position (GRCh38, 1-based): chr6:7,246,939, G>A. VCF-style: chr6-7246939-G-A. GRCh37 (hg19) VCF-style: chr6-7247172-G-A.
Other names: c.4324G>A, p.Glu1442Lys (NM_001003698.4, NM_001168344.2); c.3974-1572G>A (NM_001003700.2); short protein forms E1442K, E1497K.
Identifiers: ClinVar variation 3034621 (VCV003034621.2), dbSNP rs373051958, ClinGen allele CA3626468.

ClinVar aggregate classification (germline): Benign (0 of 4 stars; one submission).

Conditions:
RREB1-related disorder. Also called: RREB1-related condition.

Allele frequency attached by ClinVar (database versions not stated): ESP Exome Variant Server 0.00025; TOPMed 0.00066; gnomAD 0.00105; gnomAD exomes 0.00142; 1000 Genomes Project 30x 0.00515; 1000 Genomes Project 0.00579; ExAC 0.01025.
gnomAD v4.1: 2,216 of 1,558,578 alleles (0.14%); highest among the groups gnomAD compares: South Asian, 1.9%; 36 homozygotes.

Submission:

PreventionGenetics, part of Exact Sciences
Classification: Benign for RREB1-related condition. Last evaluated: 2020-01-09. Review status: no assertion criteria provided. Collection method: clinical testing. Allele origin: germline.
Comment: This variant is classified as benign based on ACMG/AMP sequence variant interpretation guidelines (Richards et al. 2015 PMID: 25741868, with internal and published modifications).